The following is an entry in ClinVar:

ClinVar aggregate classification (germline): Uncertain significance. Review status: criteria provided, multiple submitters, no conflicts (2 of 4 stars). 2 submissions from 2 submitters: Uncertain significance (2). Last evaluated 2022-01-13.

Allele frequency attached by ClinVar (database versions not stated): gnomAD 0.00001; TOPMed 0.00001.
gnomAD v4.1: 1 of 1,613,810 alleles (0.000062%); highest among the groups gnomAD compares: African/African-American, 0.0013%; no homozygotes.

Submissions (2):

GeneDx
Classification: Uncertain significance. Last evaluated: 2022-01-13. Review status: criteria provided, single submitter. Criteria: GeneDx Variant Classification Process June 2021. Collection method: clinical testing. Allele origin: germline. Affected: yes.
Comment: Not observed at significant frequency in large population cohorts (gnomAD); In silico analysis supports that this missense variant has a deleterious effect on protein structure/function; Has not been previously published as pathogenic or benign to our knowledge

Ambry Genetics
Classification: Uncertain significance. Last evaluated: 2021-12-03. Review status: criteria provided, single submitter. Criteria: Ambry Variant Classification Scheme 2023. Collection method: clinical testing. Allele origin: germline.

NM_004568.6(SERPINB6):c.328T>C (p.Cys110Arg)

Gene: SERPINB6 (serpin family B member 6; minus strand). Cytogenetic location: 6p25.2.
Variant type: single nucleotide variant.
Coding change: c.328T>C on transcript NM_004568.6 (MANE Select); coding-DNA position 328, T replaced by C.
Protein change: p.Cys110Arg; replaces cysteine 110 with arginine.
Molecular consequence: missense variant. On other transcripts: non-coding transcript variant (1).
Genome position (GRCh38, 1-based): chr6:2,954,694, A>G on the plus strand (T>C on the coding strand, the complement: SERPINB6 is on the minus strand). VCF-style: chr6-2954694-A-G. GRCh37 (hg19) VCF-style: chr6-2954928-A-G.
Other names: c.340T>C, p.Cys114Arg (NM_001195291.3, NM_001374515.1); c.370T>C, p.Cys124Arg (NM_001271822.2); c.385T>C, p.Cys129Arg (NM_001271823.2); c.328T>C, p.Cys110Arg (NM_001271824.2, NM_001271825.2, NM_001297699.2 and 2 more transcripts); c.196T>C, p.Cys66Arg (NM_001374517.1); short protein forms C110R, C114R, C124R, C129R, C66R.
Identifiers: ClinVar variation 1697082 (VCV001697082.5), dbSNP rs968930117, ClinGen allele CA133443315.
Genomic context (GRCh38, chr6:2,954,694, plus strand): 5'-ACTTCTCTACGGCGCTGATAAAGTCAAGCTCCTCCATCTCTGCTTGGTAGAATTTTTGGC[A>G]GGAATCTCTAAAAGACTAGGATAGACAGAGTGACATAACTGCCTGGCTACAAAAATGATG-3'
Protein context (NP_004559.4, residues 100-120): CDFLSSFRDS[Cys110Arg]QKFYQAEMEE